The following is an entry in ClinVar:

NM_000138.5(FBN1):c.2168-11T>G

Gene: FBN1 (fibrillin 1; minus strand). Cytogenetic location: 15q21.1.
Variant type: single nucleotide variant.
Coding change: c.2168-11T>G on transcript NM_000138.5 (MANE Select); 11 bases into the intron before coding-DNA position 2168, T replaced by G.
Molecular consequence: intron variant.
Genome position (GRCh38, 1-based): chr15:48,497,402, A>C on the plus strand (T>G on the coding strand, the complement: FBN1 is on the minus strand). VCF-style: chr15-48497402-A-C. GRCh37 (hg19) VCF-style: chr15-48789599-A-C.
Other names: c.2168-11T>G (NM_001406716.1).
Identifiers: ClinVar variation 2773381 (VCV002773381.4), dbSNP rs769399615, ClinGen allele CA617838072.

ClinVar aggregate classification (germline): Conflicting classifications of pathogenicity. Review status: criteria provided, conflicting classifications (1 of 4 stars). 4 submissions from 4 submitters: Uncertain significance (2); Likely benign (2). Last evaluated 2026-01-11.

Conditions:
Marfan syndrome (MFS). Also called: FBN1-Related Marfan Syndrome; MARFAN SYNDROME, TYPE I; Marfan syndrome type 1; Marfan's syndrome; Marfan syndrome, classic. Identifiers: Orphanet 284963, Orphanet 558, MedGen C0024796, MONDO:0007947, OMIM 154700.
Familial thoracic aortic aneurysm and aortic dissection (TAAD). Also called: Thoracic aortic aneurysms and dissections. Identifiers: Orphanet 91387, MedGen C4707243, MONDO:0019625.

gnomAD v4.1: 5 of 1,610,740 alleles (0.00031%); highest among the groups gnomAD compares: Admixed American, 0.0017%; no homozygotes.

Submissions (4):

Labcorp Genetics (formerly Invitae), Labcorp
Classification: Likely benign for Marfan syndrome; Familial thoracic aortic aneurysm and aortic dissection. Last evaluated: 2026-01-11. Review status: criteria provided, single submitter. Criteria: Invitae Variant Classification Sherloc (09022015). Collection method: clinical testing. Allele origin: germline.

Women's Health and Genetics/Laboratory Corporation of America, LabCorp
Classification: Likely benign. Last evaluated: 2025-05-02. Review status: criteria provided, single submitter. Criteria: LabCorp Variant Classification Summary - May 2015. Collection method: clinical testing. Allele origin: germline.
Comment: Variant summary: FBN1 c.2168-11T>G alters a non-conserved nucleotide located at a position not widely known to affect splicing. Consensus agreement among computation tools predict no significant impact on normal splicing. However, these predictions have yet to be confirmed by functional studies. The variant allele was found at a frequency of 4e-06 in 250910 control chromosomes. The available data on variant occurrences in the general population are insufficient to allow any conclusion about variant significance. To our knowledge, no occurrence of c.2168-11T>G in individuals affected with Aortopathy and no experimental evidence demonstrating its impact on protein function have been reported. ClinVar contains an entry for this variant (Variation ID: 2773381). Based on the evidence outlined above, the variant was classified as likely benign.

All of Us Research Program, National Institutes of Health
Classification: Uncertain significance for Marfan syndrome. Last evaluated: 2023-08-15. Review status: criteria provided, single submitter. Criteria: ACMG Guidelines, 2015. Collection method: clinical testing. Allele origin: germline. Inheritance: Autosomal dominant inheritance. Observed: 2 variant alleles, 2 heterozygotes.
Comment: This variant causes a T to G nucleotide substitution at the -11 position of intron 18 of the FBN1 gene. To our knowledge, functional studies have not been reported for this variant. This variant has not been reported in individuals affected with FBN1-related disorders in the literature. This variant has been identified in 1/250910 chromosomes in the general population by the Genome Aggregation Database (gnomAD). The available evidence is insufficient to determine the role of this variant in disease conclusively. Therefore, this variant is classified as a Variant of Uncertain Significance.

This study involves interpretation of variants in research participants for the purpose of population health screening. Participant phenotype was not available at the time of variant classification. Additional details can be found in publication PMID: 35346344, PMCID: PMC8962531

Color Diagnostics, LLC DBA Color Health
Classification: Uncertain significance for Familial thoracic aortic aneurysm and aortic dissection. Last evaluated: 2023-06-22. Review status: criteria provided, single submitter. Criteria: ACMG Guidelines, 2015. Collection method: clinical testing. Allele origin: germline.
Comment: This variant causes a T to G nucleotide substitution at the -11 position of intron 18 of the FBN1 gene. To our knowledge, functional studies have not been reported for this variant. This variant has not been reported in individuals affected with FBN1-related disorders in the literature. This variant has been identified in 1/250910 chromosomes in the general population by the Genome Aggregation Database (gnomAD). The available evidence is insufficient to determine the role of this variant in disease conclusively. Therefore, this variant is classified as a Variant of Uncertain Significance.